The following is an entry in ClinVar:

ClinVar aggregate classification (germline): Likely pathogenic (1 of 4 stars; one submission).

Conditions:
Melnick-Fraser syndrome (BOR). Also called: Branchiootorenal Syndrome (BORS); Branchiootorenal syndrome; Branchio-oto-renal syndrome. Identifiers: Orphanet 107, MedGen C0265234, MONDO:0007029.

Submission:

Labcorp Genetics (formerly Invitae), Labcorp
Classification: Likely pathogenic for Melnick-Fraser syndrome. Last evaluated: 2022-09-19. Review status: criteria provided, single submitter. Criteria: Invitae Variant Classification Sherloc (09022015). Collection method: clinical testing. Allele origin: germline.
Comment: In summary, the currently available evidence indicates that the variant is pathogenic, but additional data are needed to prove that conclusively. Therefore, this variant has been classified as Likely Pathogenic. This sequence change affects a donor splice site in intron 13 of the EYA1 gene. It is expected to disrupt RNA splicing. Variants that disrupt the donor or acceptor splice site typically lead to a loss of protein function (PMID: 16199547), and loss-of-function variants in EYA1 are known to be pathogenic (PMID: 10464653, 18220287). This variant is not present in population databases (gnomAD no frequency). This variant has not been reported in the literature in individuals affected with EYA1-related conditions. ClinVar contains an entry for this variant (Variation ID: 1500610). Algorithms developed to predict the effect of sequence changes on RNA splicing suggest that this variant may disrupt the consensus splice site.

Literature cited by the submitters: PubMed 16199547; PubMed 10464653; PubMed 18220287.

NM_000503.6(EYA1):c.1199+2T>A

Gene: EYA1 (EYA transcriptional coactivator and phosphatase 1; minus strand). Cytogenetic location: 8q13.3.
Variant type: single nucleotide variant.
Coding change: c.1199+2T>A on transcript NM_000503.6 (MANE Select); the canonical splice donor site of the intron after coding-DNA position 1199, T replaced by A.
Molecular consequence: splice donor variant.
Genome position (GRCh38, 1-based): chr8:71,216,963, A>T on the plus strand (T>A on the coding strand, the complement: EYA1 is on the minus strand). VCF-style: chr8-71216963-A-T. GRCh37 (hg19) VCF-style: chr8-72129198-A-T.
Other names: c.1178+2T>A (NM_001370336.1); c.1286+2T>A (NM_001370333.1); c.1199+2T>A (NM_001370335.1, NM_001370334.1, NM_172058.4); c.1181+2T>A (NM_172059.5, NM_001288574.2); c.1100+2T>A (NM_001411797.1, NM_172060.4); c.833+2T>A (NM_001288575.2).
Identifiers: ClinVar variation 1500610 (VCV001500610.8), dbSNP rs2128854556, ClinGen allele CA371466919.